The following is an entry in ClinVar:

NM_004329.3(BMPR1A):c.1217G>A (p.Arg406His)

Gene: BMPR1A (bone morphogenetic protein receptor type 1A; plus strand). Cytogenetic location: 10q23.2.
Variant type: single nucleotide variant.
Coding change: c.1217G>A on transcript NM_004329.3 (MANE Select); coding-DNA position 1217, G replaced by A.
Protein change: p.Arg406His; replaces arginine 406 with histidine.
Molecular consequence: missense variant.
Genome position (GRCh38, 1-based): chr10:86,921,570, G>A. VCF-style: chr10-86921570-G-A. GRCh37 (hg19) VCF-style: chr10-88681327-G-A.
Other names: p.R406H:CGC>CAC; short protein forms R406H.
Identifiers: ClinVar variation 127899 (VCV000127899.22), dbSNP rs587780107, ClinGen allele CA288002.

ClinVar aggregate classification (germline): Uncertain significance. Review status: criteria provided, multiple submitters, no conflicts (2 of 4 stars). 5 submissions from 5 submitters: Uncertain significance (5). Last evaluated 2025-12-08.

Conditions:
Juvenile polyposis syndrome (JPS). Identifiers: Orphanet 2929, MedGen C0345893, MONDO:0017380, OMIM 174900.
Hereditary cancer-predisposing syndrome. Also called: Tumor predisposition; Hereditary Cancer Syndrome; Neoplastic Syndromes, Hereditary; Hereditary neoplastic syndrome. Identifiers: Orphanet 140162, MedGen C0027672, MeSH D009386, MONDO:0015356.

Allele frequency attached by ClinVar (database versions not stated): gnomAD exomes below 0.00001; TOPMed below 0.00001.
gnomAD v4.1: 3 of 1,614,114 alleles (0.00019%); highest among the groups gnomAD compares: Middle Eastern, 0.017%; no homozygotes.

Submissions (5):

Color Diagnostics, LLC DBA Color Health
Classification: Uncertain significance for Hereditary cancer-predisposing syndrome. Last evaluated: 2025-12-08. Review status: criteria provided, single submitter. Criteria: ACMG Guidelines, 2015. Collection method: clinical testing. Allele origin: germline.
Comment: This missense variant replaces arginine with histidine at codon 406 of the BMPR1A protein. Computational prediction is inconclusive regarding the impact of this variant on protein structure and function. To our knowledge, functional studies have not been reported for this variant. This variant has not been reported in individuals affected with BMPR1A-related disorders in the literature. This variant has been identified in 1/251454 chromosomes in the general population by the Genome Aggregation Database (gnomAD). The available evidence is insufficient to determine the role of this variant in disease conclusively. Therefore, this variant is classified as a Variant of Uncertain Significance.

Labcorp Genetics (formerly Invitae), Labcorp
Classification: Uncertain significance for Juvenile polyposis syndrome. Last evaluated: 2025-08-28. Review status: criteria provided, single submitter. Criteria: Invitae Variant Classification Sherloc (09022015). Collection method: clinical testing. Allele origin: germline.
Comment: This sequence change replaces arginine, which is basic and polar, with histidine, which is basic and polar, at codon 406 of the BMPR1A protein (p.Arg406His). This variant is present in population databases (rs587780107, gnomAD 0.0009%). This variant has not been reported in the literature in individuals affected with BMPR1A-related conditions. ClinVar contains an entry for this variant (Variation ID: 127899). Invitae Evidence Modeling incorporating data from in vitro experimental studies (internal data) indicates that this missense variant is not expected to disrupt BMPR1A function with a negative predictive value of 95%. In summary, the available evidence is currently insufficient to determine the role of this variant in disease. Therefore, it has been classified as a Variant of Uncertain Significance.

Ambry Genetics
Classification: Uncertain significance for Hereditary cancer-predisposing syndrome. Last evaluated: 2023-10-27. Review status: criteria provided, single submitter. Criteria: Ambry Variant Classification Scheme 2023. Collection method: clinical testing. Allele origin: germline.
Comment: The p.R406H variant (also known as c.1217G>A), located in coding exon 9 of the BMPR1A gene, results from a G to A substitution at nucleotide position 1217. The arginine at codon 406 is replaced by histidine, an amino acid with highly similar properties. This amino acid position is highly conserved in available vertebrate species. In addition, this alteration is predicted to be deleterious by in silico analysis. Since supporting evidence is limited at this time, the clinical significance of this alteration remains unclear.

PreventionGenetics, part of Exact Sciences
Classification: Uncertain significance. Last evaluated: 2017-08-25. Review status: criteria provided, single submitter. Criteria: ACMG Guidelines, 2015. Collection method: clinical testing. Allele origin: germline.

GeneDx
Classification: Uncertain significance. Last evaluated: 2013-10-21. Review status: criteria provided, single submitter. Criteria: GeneDx Variant Classification (06012015). Collection method: clinical testing. Allele origin: germline. Affected: yes.
Comment: This variant is denoted BMPR1A c.1217G>A at the cDNA level, p.Arg406His (R406H) at the protein level, and results in the change of an Arginine to a Histidine (CGC>CAC). This variant has not, to our knowledge, been published in the literature as pathogenic or benign. BMPR1A Arg406His was not observed in approximately 6,500 individuals of European and African American ancestry in the NHLBI Exome Sequencing Project, indicating it is not a common benign variant in these populations. This variant is a conservative substitution of one positive polar amino acid for another, altering a position that is well conserved throughout evolution and is located in the protein kinase domain per UniProt. Multiple in silico algorithms predict that this variant may be damaging to protein structure and function. Based on currently available information, it is unclear whether BMPR1A Arg406His is pathogenic or benign.